The following is an entry in ClinVar:

NM_000059.4(BRCA2):c.6842-16_6842-15insGTCCGGGCGCGGTGGCTCAACCCACTAATACAACCCCGATTGGAGGCCGCCGCGGGCGGAGACCCACGTCAGCAGATAGACACNNNNNNNNNNAAAAAAAAAAAAAAAAAAAAAAAAACATATATGA

Gene: BRCA2 (BRCA2 DNA repair associated; plus strand). Cytogenetic location: 13q13.1.
Variant type: Microsatellite.
Coding change: c.6842-16_6842-15insGTCCGGGCGCGGTGGCTCAACCCACTAATACAACCCCGATTGGAGGCCGCCGCGGGCGGAGACCCACGTCAGCAGATAGACACNNNNNNNNNNAAAAAAAAAAAAAAAAAAAAAAAAACATATATGA on transcript NM_000059.4 (MANE Select); 16 bases into the intron before coding-DNA position 6842 through 15 bases into the intron before coding-DNA position 6842, GTCCGGGCGCGGTGGCTCAACCCACTAATACAACCCCGATTGGAGGCCGCCGCGGGCGGAGACCCACGTCAGCAGATAGACACNNNNNNNNNNAAAAAAAAAAAAAAAAAAAAAAAAACATATATGA inserted.
Molecular consequence: intron variant.
Genome position: GRCh38: chr13:32,344,529-32,344,542. GRCh37 (hg19), VCF-style position (the base before the change): chr13:32,918,665.
Other names: c.6842-16_6842-15insGTCCGGGCGCGGTGGCTCAACCCACTAATACAACCCCGATTGGAGGCCGCCGCGGGCGGAGACCCACGTCAGCAGATAGACACNNNNNNNNNNAAAAAAAAAAAAAAAAAAAAAAAAACATATATGA (NM_001432077.1, NM_001406720.1); c.6842-2285_6842-2284insGTCCGGGCGCGGTGGCTCAACCCACTAATACAACCCCGATTGGAGGCCGCCGCGGGCGGAGACCCACGTCAGCAGATAGACACNNNNNNNNNNAAAAAAAAAAAAAAAAAAAAAAAAACATATATGA (NM_001406719.1); c.1910-16_1910-15insGTCCGGGCGCGGTGGCTCAACCCACTAATACAACCCCGATTGGAGGCCGCCGCGGGCGGAGACCCACGTCAGCAGATAGACACNNNNNNNNNNAAAAAAAAAAAAAAAAAAAAAAAAACATATATGA (NM_001406721.1); c.425-16_425-15insGTCCGGGCGCGGTGGCTCAACCCACTAATACAACCCCGATTGGAGGCCGCCGCGGGCGGAGACCCACGTCAGCAGATAGACACNNNNNNNNNNAAAAAAAAAAAAAAAAAAAAAAAAACATATATGA (NM_001406722.1).
Identifiers: ClinVar variation 4718863 (VCV004718863.1).

ClinVar aggregate classification (germline): Uncertain significance (1 of 4 stars; one submission).

Conditions:
Hereditary breast ovarian cancer syndrome. Also called: Hereditary breast and ovarian cancer syndrome; Hereditary breast and ovarian cancer syndrome (HBOC); Breast and ovarian cancer; BRCA1- and BRCA2-Associated Hereditary Breast and Ovarian Cancer; Hereditary breast and/or ovarian cancer syndrome; Hereditary breast and ovarian cancer. Identifiers: Orphanet 145, MedGen C0677776, MeSH D061325, MONDO:0003582. Disease mechanism: loss of function.

Submission:

Labcorp Genetics (formerly Invitae), Labcorp
Classification: Uncertain significance for Hereditary breast ovarian cancer syndrome. Last evaluated: 2025-11-12. Review status: criteria provided, single submitter. Criteria: Invitae Variant Classification Sherloc (09022015). Collection method: clinical testing. Allele origin: germline.
Comment: This sequence change falls in intron 11 of the BRCA2 gene. It does not directly change the encoded amino acid sequence of the BRCA2 protein. This variant is not present in population databases (gnomAD no frequency). This variant has not been reported in the literature in individuals affected with BRCA2-related conditions. Experimental studies and prediction algorithms are not available or were not evaluated, and the effect of this variant on mRNA splicing is currently unknown. In summary, the available evidence is currently insufficient to determine the role of this variant in disease. Therefore, it has been classified as a Variant of Uncertain Significance.